The following is an entry in ClinVar:

NM_000204.5(CFI):c.1100dup (p.Ile368fs)

Gene: CFI (complement factor I; minus strand). Cytogenetic location: 4q25.
Variant type: Duplication.
Coding change: c.1100dup on transcript NM_000204.5 (MANE Select); coding-DNA position 1100, one base duplicated (G; older notation c.1100dupG).
Protein change: p.Ile368fs; shifts the reading frame from isoleucine 368.
Molecular consequence: frameshift variant. On other transcripts: non-coding transcript variant (3).
Genome position (GRCh38, 1-based): chr4:109,749,266, C duplicated on the plus strand (G on the coding strand, the reverse complement: CFI is on the minus strand); the first of 5 consecutive C bases (chr4:109,749,266-109,749,270); duplicating any one gives the same sequence. VCF-style (leftmost placement, unchanged base first): chr4-109749265-T-TC. GRCh37 (hg19) VCF-style: chr4-110670421-T-TC.
Other names: c.1124dup, p.Ile376fs (NM_001318057.2, NM_001375278.1); c.1079dup, p.Ile361fs (NM_001331035.2, NM_001375280.1, NM_001375282.1); c.1100dup, p.Ile368fs (NM_001375279.1, NM_001375281.1); c.1043dup, p.Ile349fs (NM_001375283.1); c.491dup, p.Ile165fs (NM_001375284.1); short protein forms I349fs, I361fs, I368fs, I376fs, I165fs.
Identifiers: ClinVar variation 1428093 (VCV001428093.6), dbSNP rs2126190954, ClinGen allele CA2573137887.

ClinVar aggregate classification (germline): Pathogenic (1 of 4 stars; one submission).

Submission:

Labcorp Genetics (formerly Invitae), Labcorp
Classification: Pathogenic. Last evaluated: 2021-08-12. Review status: criteria provided, single submitter. Criteria: Invitae Variant Classification Sherloc (09022015). Collection method: clinical testing. Allele origin: germline.
Comment: For these reasons, this variant has been classified as Pathogenic. This variant has not been reported in the literature in individuals affected with CFI-related conditions. This variant is not present in population databases (ExAC no frequency). This sequence change creates a premature translational stop signal (p.Ile368Asnfs*19) in the CFI gene. It is expected to result in an absent or disrupted protein product. Loss-of-function variants in CFI are known to be pathogenic (PMID: 15917334, 16621965, 19065647, 20016463, 22710145).

Literature cited by the submitters: PubMed 15917334; PubMed 16621965; PubMed 19065647; PubMed 20016463; PubMed 22710145.